The following is an entry in ClinVar:

ClinVar aggregate classification (germline): Conflicting classifications of pathogenicity. Review status: criteria provided, conflicting classifications (1 of 4 stars). 3 submissions from 3 submitters: Uncertain significance (2); Likely benign (1). Last evaluated 2026-09-21.

Conditions:
TTN-related disorder. Also called: TTN-related condition; TTN-related disease; TTN-related disorders.

Submissions (3):

Molecular Diagnostic Laboratory for Inherited Cardiovascular Disease, Montreal Heart Institute
Classification: Likely benign. Last evaluated: 2026-09-21. Review status: criteria provided, single submitter. Criteria: ACMG Guidelines, 2015. Collection method: clinical testing. Allele origin: germline. Affected: no.
Comment: BP1

PreventionGenetics, part of Exact Sciences
Classification: Uncertain significance for TTN-related condition. Last evaluated: 2026-02-27. Review status: criteria provided, single submitter. Criteria: ACMG Guidelines, 2015. Collection method: clinical testing. Allele origin: germline.
Comment: The TTN c.66946G>A variant is predicted to result in the amino acid substitution p.Asp22316Asn. To our knowledge, this variant has not been reported in the literature or in a large population database (gnomAD), indicating this variant is rare. At this time, the clinical significance of this variant is uncertain due to the absence of conclusive functional and genetic evidence.

GeneDx
Classification: Uncertain significance. Last evaluated: 2025-05-12. Review status: criteria provided, single submitter. Criteria: GeneDx Variant Classification Process June 2021. Collection method: clinical testing. Allele origin: germline. Affected: yes.
Comment: Not observed at significant frequency in large population cohorts (gnomAD); Missense variant in a gene in which most reported pathogenic variants are truncating/loss of function; Has not been previously published as pathogenic or benign to our knowledge

NM_001267550.2(TTN):c.66946G>A (p.Asp22316Asn)

Genes: TTN (titin; minus strand), TTN-AS1 (TTN antisense RNA 1; plus strand). Cytogenetic location: 2q31.2.
Variant type: single nucleotide variant.
Coding change: c.66946G>A on transcript NM_001267550.2 (MANE Select); coding-DNA position 66946, G replaced by A.
Protein change: p.Asp22316Asn; replaces aspartic acid 22316 with asparagine.
Molecular consequence: missense variant.
Genome position (GRCh38, 1-based): chr2:178,580,433, C>T on the plus strand (G>A on the coding strand, the complement: TTN is on the minus strand). VCF-style: chr2-178580433-C-T. GRCh37 (hg19) VCF-style: chr2-179445160-C-T.
Other names: c.62023G>A, p.Asp20675Asn (NM_001256850.1); c.39751G>A, p.Asp13251Asn (NM_003319.4); c.59242G>A, p.Asp19748Asn (NM_133378.4); c.40126G>A, p.Asp13376Asn (NM_133432.3); c.40327G>A, p.Asp13443Asn (NM_133437.4); short protein forms D13251N, D13376N, D13443N, D19748N, D20675N, D22316N.
Identifiers: ClinVar variation 4529659 (VCV004529659.3), dbSNP rs948813723.